The following is an entry in ClinVar:

ClinVar aggregate classification (germline): Uncertain significance. Review status: criteria provided, single submitter (1 of 4 stars). 2 submissions from 2 submitters: Uncertain significance (1). 1 of the submissions does not count toward it. Last evaluated 2021-07-20.

Conditions:
CD93-related disorder. Also called: CD93-related condition.

Allele frequency attached by ClinVar (database versions not stated): ExAC 0.00012; 1000 Genomes Project 0.00020; 1000 Genomes Project 30x 0.00031; gnomAD 0.00062; TOPMed 0.00066; ESP Exome Variant Server 0.00077.

Submissions (2):

Ambry Genetics
Classification: Uncertain significance. Last evaluated: 2021-07-20. Review status: criteria provided, single submitter. Criteria: Ambry Variant Classification Scheme 2023. Collection method: clinical testing. Allele origin: germline.

PreventionGenetics, part of Exact Sciences
Classification: Likely benign for CD93-related condition. Last evaluated: 2023-09-28. Review status: no assertion criteria provided. Collection method: clinical testing. Allele origin: germline. Not counted in ClinVar's aggregate classification.
Comment: This variant is classified as likely benign based on ACMG/AMP sequence variant interpretation guidelines (Richards et al. 2015 PMID: 25741868, with internal and published modifications).

NM_012072.4(CD93):c.1301C>T (p.Pro434Leu)

Gene: CD93 (CD93 molecule; minus strand). Cytogenetic location: 20p11.21.
Variant type: single nucleotide variant.
Coding change: c.1301C>T on transcript NM_012072.4 (MANE Select); coding-DNA position 1301, C replaced by T.
Protein change: p.Pro434Leu; replaces proline 434 with leucine.
Molecular consequence: missense variant.
Genome position (GRCh38, 1-based): chr20:23,084,892, G>A on the plus strand (C>T on the coding strand, the complement: CD93 is on the minus strand). VCF-style: chr20-23084892-G-A. GRCh37 (hg19) VCF-style: chr20-23065529-G-A.
Other names: short protein forms P434L.
Identifiers: ClinVar variation 2213357 (VCV002213357.4), dbSNP rs41520247, ClinGen allele CA9788049.